The following is an entry in ClinVar:

NM_004612.4(TGFBR1):c.791CAG[1] (p.Ala265del)

Gene: TGFBR1 (transforming growth factor beta receptor 1; plus strand). Cytogenetic location: 9q22.33.
Variant type: Microsatellite.
Coding change: c.791CAG[1] on transcript NM_004612.4 (MANE Select); one copy of the 3-base unit CAG starting at c.791; the reference has two copies in a row; one copy, 3 bases deleted; also written c.794_796del.
Protein change: p.Ala265del; deletes alanine 265.
Molecular consequence: inframe deletion.
Genome position (GRCh38, 1-based): chr9:99,138,078-99,138,080, CAG deleted; deleting any 3 consecutive bases within chr9:99,138,073-99,138,080 gives the same sequence; the position shown is the placement nearest the transcript's 3' end. VCF-style (leftmost placement, unchanged base first): chr9-99138072-TAGC-T. GRCh37 (hg19) VCF-style: chr9-101900354-TAGC-T.
Other names: c.560CAG[1], p.Ala188del (NM_001130916.3); c.803CAG[1], p.Ala269del (NM_001306210.2); c.794_796del (NM_004612.4); short protein forms A188del, A265del, A269del.
Identifiers: ClinVar variation 1022363 (VCV001022363.10), dbSNP rs1827496704, ClinGen allele CA1867256034.

ClinVar aggregate classification (germline): Likely pathogenic. Review status: criteria provided, multiple submitters, no conflicts (2 of 4 stars). 2 submissions from 2 submitters: Likely pathogenic (2). Last evaluated 2024-01-19.

Conditions:
Familial thoracic aortic aneurysm and aortic dissection (TAAD). Also called: Thoracic aortic aneurysms and dissections. Identifiers: Orphanet 91387, MedGen C4707243, MONDO:0019625.
Loeys-Dietz syndrome 1 (LDS1). Also called: TGFBR1-Related Loeys-Dietz Syndrome; AORTIC ANEURYSM, FAMILIAL THORACIC 5; FURLONG SYNDROME. Identifiers: Orphanet 60030, MedGen C4551955, MONDO:0012212, OMIM 609192.
Multiple self-healing squamous epithelioma (MSSE). Also called: MULTIPLE SELF-HEALING SQUAMOUS EPITHELIOMA, SUSCEPTIBILITY TO. Identifiers: Orphanet 65748, MedGen C0546476, MONDO:0007566, OMIM 132800.

Submissions (2):

Fulgent Genetics
Classification: Likely pathogenic for Multiple self-healing squamous epithelioma; Loeys-Dietz syndrome 1. Last evaluated: 2024-01-19. Review status: criteria provided, single submitter. Criteria: ACMG Guidelines, 2015. Collection method: clinical testing. Allele origin: germline.

Labcorp Genetics (formerly Invitae), Labcorp
Classification: Likely pathogenic for Familial thoracic aortic aneurysm and aortic dissection. Last evaluated: 2021-01-15. Review status: criteria provided, single submitter. Criteria: Invitae Variant Classification Sherloc (09022015). Collection method: clinical testing. Allele origin: germline.
Comment: In summary, the currently available evidence indicates that the variant is pathogenic, but additional data are needed to prove that conclusively. Therefore, this variant has been classified as Likely Pathogenic. Experimental studies and prediction algorithms are not available or were not evaluated, and the functional significance of this variant is currently unknown. This variant has been observed in individual(s) with TGFBR1-related conditions (Invitae). In at least one individual the variant was observed to be de novo. This variant is not present in population databases (ExAC no frequency). This variant, c.794_796del, results in the deletion of 1 amino acid(s) of the TGFBR1 protein (p.Ala265del), but otherwise preserves the integrity of the reading frame.